The following is an entry in ClinVar:

NM_006941.4(SOX10):c.789G>C (p.Met263Ile)

Genes: POLR2F (RNA polymerase II, I and III subunit F; plus strand), SOX10 (SRY-box transcription factor 10; minus strand). Cytogenetic location: 22q13.1.
Variant type: single nucleotide variant.
Coding change: c.789G>C on transcript NM_006941.4 (MANE Select); coding-DNA position 789, G replaced by C.
Protein change: p.Met263Ile; replaces methionine 263 with isoleucine.
Molecular consequence: missense variant. On other transcripts: intron variant (3).
Genome position (GRCh38, 1-based): chr22:37,974,107, C>G on the plus strand (G>C on the coding strand, the complement: SOX10 is on the minus strand). VCF-style: chr22-37974107-C-G. GRCh37 (hg19) VCF-style: chr22-38370114-C-G.
Other names: c.*38+1797C>G (NM_001363825.1); c.293+6937C>G (NM_001301130.2, NM_001301131.2); short protein forms M263I.
Identifiers: ClinVar variation 1702572 (VCV001702572.5), dbSNP rs1170770614, ClinGen allele CA411494241.

ClinVar aggregate classification (germline): Uncertain significance. Review status: criteria provided, multiple submitters, no conflicts (2 of 4 stars). 2 submissions from 2 submitters: Uncertain significance (2). Last evaluated 2022-12-25.

Allele frequency attached by ClinVar (database versions not stated): gnomAD exomes below 0.00001; gnomAD 0.00001.
gnomAD v4.1: 4 of 1,613,496 alleles (0.00025%); highest among the groups gnomAD compares: Non-Finnish European, 0.00034%; no homozygotes.

Submissions (2):

Labcorp Genetics (formerly Invitae), Labcorp
Classification: Uncertain significance. Last evaluated: 2022-12-25. Review status: criteria provided, single submitter. Criteria: Invitae Variant Classification Sherloc (09022015). Collection method: clinical testing. Allele origin: germline.
Comment: This variant is present in population databases (no rsID available, gnomAD 0.0009%). In summary, the available evidence is currently insufficient to determine the role of this variant in disease. Therefore, it has been classified as a Variant of Uncertain Significance. Advanced modeling of protein sequence and biophysical properties (such as structural, functional, and spatial information, amino acid conservation, physicochemical variation, residue mobility, and thermodynamic stability) performed at Invitae indicates that this missense variant is not expected to disrupt SOX10 protein function. ClinVar contains an entry for this variant (Variation ID: 1702572). This variant has not been reported in the literature in individuals affected with SOX10-related conditions. This sequence change replaces methionine, which is neutral and non-polar, with isoleucine, which is neutral and non-polar, at codon 263 of the SOX10 protein (p.Met263Ile).

GeneDx
Classification: Uncertain significance. Last evaluated: 2022-02-17. Review status: criteria provided, single submitter. Criteria: GeneDx Variant Classification Process June 2021. Collection method: clinical testing. Allele origin: germline. Affected: yes.
Comment: Not observed at significant frequency in large population cohorts (gnomAD); In silico analysis supports that this missense variant does not alter protein structure/function; Has not been previously published as pathogenic or benign to our knowledge